The following is an entry in ClinVar:

NM_000051.4(ATM):c.8851-16T>C

Genes: ATM (ATM serine/threonine kinase; plus strand), C11orf65 (chromosome 11 open reading frame 65; minus strand). Cytogenetic location: 11q22.3.
Variant type: single nucleotide variant.
Coding change: c.8851-16T>C on transcript NM_000051.4 (MANE Select); 16 bases into the intron before coding-DNA position 8851, T replaced by C.
Molecular consequence: intron variant.
Genome position (GRCh38, 1-based): chr11:108,365,066, T>C. VCF-style: chr11-108365066-T-C. GRCh37 (hg19) VCF-style: chr11-108235793-T-C.
Other names: c.8851-16T>C (NM_001351834.2); c.640+20854A>G (NM_001330368.2); c.694+20854A>G (NM_001351110.2).
Identifiers: ClinVar variation 627732 (VCV000627732.12), dbSNP rs1565607217, ClinGen allele CA913188452.

ClinVar aggregate classification (germline): Conflicting classifications of pathogenicity. Review status: criteria provided, conflicting classifications (1 of 4 stars). 4 submissions from 4 submitters: Uncertain significance (1); Likely benign (3). Last evaluated 2026-01-14.

Conditions:
Hereditary cancer-predisposing syndrome. Also called: Tumor predisposition; Hereditary neoplastic syndrome; Neoplastic Syndromes, Hereditary; Hereditary Cancer Syndrome. Identifiers: Orphanet 140162, MedGen C0027672, MeSH D009386, MONDO:0015356.
Familial cancer of breast. Also called: Hereditary breast cancer; BREAST CANCER, FAMILIAL; hereditary breast carcinoma. Identifiers: Orphanet 227535, MedGen C0346153, MONDO:0016419, OMIM 114480. Disease mechanism: loss of function.
Ataxia-telangiectasia syndrome (AT). Also called: Ataxia-telangiectasia, complementation group D; AT, COMPLEMENTATION GROUP C; ATAXIA-TELANGIECTASIA, COMPLEMENTATION GROUP A; ATAXIA-TELANGIECTASIA, FRESNO VARIANT; Ataxia-telangiectasia; LOUIS-BAR SYNDROME. Identifiers: Orphanet 100, MedGen C0004135, MONDO:0008840, OMIM 208900.

Allele frequency attached by ClinVar (database versions not stated): gnomAD exomes below 0.00001.
gnomAD v4.1: 2 of 1,613,196 alleles (0.00012%); highest among the groups gnomAD compares: Non-Finnish European, 0.00017%; no homozygotes.

Submissions (4):

Labcorp Genetics (formerly Invitae), Labcorp
Classification: Likely benign for Ataxia-telangiectasia syndrome. Last evaluated: 2026-01-14. Review status: criteria provided, single submitter. Criteria: Invitae Variant Classification Sherloc (09022015). Collection method: clinical testing. Allele origin: germline.

Myriad Genetics, Inc.
Classification: Likely benign for Familial cancer of breast. Last evaluated: 2024-06-21. Review status: criteria provided, single submitter. Criteria: Myriad Autosomal Dominant, Autosomal Recessive and X-Linked Classification Criteria (2023). Collection method: clinical testing. Allele origin: unknown.
Comment: This variant is considered likely benign. This variant is intronic and is not expected to impact mRNA splicing.

Color Diagnostics, LLC DBA Color Health
Classification: Likely benign for Hereditary cancer-predisposing syndrome. Last evaluated: 2018-07-25. Review status: criteria provided, single submitter. Criteria: ACMG Guidelines, 2015. Collection method: clinical testing. Allele origin: germline.

Ambry Genetics
Classification: Uncertain significance for Hereditary cancer-predisposing syndrome. Last evaluated: 2016-10-27. Review status: criteria provided, single submitter. Criteria: Ambry Variant Classification Scheme 2023. Collection method: clinical testing. Allele origin: germline.
Comment: The c.8851-16T>C intronic alteration consists of a T to C substitution 16 nucleotides before coding exon 61 in the ATM gene. Based on insufficient or conflicting evidence, the clinical significance of this alteration remains unclear.